The following is an entry in ClinVar:

NM_001378183.1(PIEZO2):c.6144G>A (p.Met2048Ile)

Gene: PIEZO2 (piezo type mechanosensitive ion channel component 2; minus strand). Cytogenetic location: 18p11.22.
Variant type: single nucleotide variant.
Coding change: c.6144G>A on transcript NM_001378183.1 (MANE Select); coding-DNA position 6144, G replaced by A.
Protein change: p.Met2048Ile; replaces methionine 2048 with isoleucine.
Molecular consequence: missense variant.
Genome position (GRCh38, 1-based): chr18:10,704,508, C>T on the plus strand (G>A on the coding strand, the complement: PIEZO2 is on the minus strand). VCF-style: chr18-10704508-C-T. GRCh37 (hg19) VCF-style: chr18-10704506-C-T.
Other names: c.5880G>A, p.Met1960Ile (NM_001410871.1); c.5805G>A, p.Met1935Ile (NM_022068.4); short protein forms M1935I, M1960I, M2048I.
Identifiers: ClinVar variation 3769669 (VCV003769669.1).

ClinVar aggregate classification (germline): Uncertain significance (1 of 4 stars; one submission).

Submission:

GeneDx
Classification: Uncertain significance. Last evaluated: 2024-09-11. Review status: criteria provided, single submitter. Criteria: GeneDx Variant Classification Process June 2021. Collection method: clinical testing. Allele origin: germline. Affected: yes.
Comment: Not observed at significant frequency in large population cohorts (gnomAD); In silico analysis indicates that this missense variant does not alter protein structure/function; Has not been previously published as pathogenic or benign to our knowledge